The following is an entry in ClinVar:

ClinVar aggregate classification (germline): Uncertain significance (1 of 4 stars; one submission).

Conditions:
Deafness-lymphedema-leukemia syndrome. Also called: Lymphedema, primary, with myelodysplasia; Emberger syndrome. Identifiers: Orphanet 3226, MedGen C3279664, MONDO:0013540, OMIM 614038.
Monocytopenia with susceptibility to infections. Also called: IMMUNODEFICIENCY 21; MONOCYTOPENIA AND MYCOBACTERIAL INFECTION SYNDROME; MONOCYTOPENIA WITH SUSCEPTIBILITY TO MYCOBACTERIAL, FUNGAL, AND PAPILLOMAVIRUS INFECTIONS AND MYELODYSPLASIA; COMBINED IMMUNODEFICIENCY WITH SUSCEPTIBILITY TO MYCOBACTERIAL, VIRAL, AND FUNGAL INFECTIONS; GATA2 DEFICIENCY; Dendritic cell, monocyte, B lymphocyte, and natural killer lymphocyte deficiency. Identifiers: Orphanet 228423, MedGen C3280030, MONDO:0013607, OMIM 614172.

gnomAD v4.1: 1 of 1,560,110 alleles (0.000064%); no homozygotes.

Submission:

Labcorp Genetics (formerly Invitae), Labcorp
Classification: Uncertain significance for Monocytopenia with susceptibility to infections; Deafness-lymphedema-leukemia syndrome. Last evaluated: 2023-06-13. Review status: criteria provided, single submitter. Criteria: Invitae Variant Classification Sherloc (09022015). Collection method: clinical testing. Allele origin: germline.
Comment: In summary, the available evidence is currently insufficient to determine the role of this variant in disease. Therefore, it has been classified as a Variant of Uncertain Significance. This variant is not present in population databases (gnomAD no frequency). This sequence change replaces histidine, which is basic and polar, with arginine, which is basic and polar, at codon 127 of the GATA2 protein (p.His127Arg). This variant has not been reported in the literature in individuals affected with GATA2-related conditions. ClinVar contains an entry for this variant (Variation ID: 664379). Advanced modeling of protein sequence and biophysical properties (such as structural, functional, and spatial information, amino acid conservation, physicochemical variation, residue mobility, and thermodynamic stability) has been performed at Invitae for this missense variant, however the output from this modeling did not meet the statistical confidence thresholds required to predict the impact of this variant on GATA2 protein function.

NM_032638.5(GATA2):c.380A>G (p.His127Arg)

Gene: GATA2 (GATA binding protein 2; minus strand). Cytogenetic location: 3q21.3.
Variant type: single nucleotide variant.
Coding change: c.380A>G on transcript NM_032638.5 (MANE Select); coding-DNA position 380, A replaced by G.
Protein change: p.His127Arg; replaces histidine 127 with arginine.
Molecular consequence: missense variant.
Genome position (GRCh38, 1-based): chr3:128,486,218, T>C on the plus strand (A>G on the coding strand, the complement: GATA2 is on the minus strand). VCF-style: chr3-128486218-T-C. GRCh37 (hg19) VCF-style: chr3-128205061-T-C.
Other names: c.380A>G, p.His127Arg (NM_001145661.2, NM_001145662.1); short protein forms H127R.
Identifiers: ClinVar variation 664379 (VCV000664379.10), dbSNP rs1576749074, ClinGen allele CA354407018.